The following is an entry in ClinVar:

NM_017534.6(MYH2):c.2981C>T (p.Thr994Ile)

Genes: MYH2 (myosin heavy chain 2; minus strand), MYHAS (myosin heavy chain gene cluster antisense RNA; plus strand). Cytogenetic location: 17p13.1.
Variant type: single nucleotide variant.
Coding change: c.2981C>T on transcript NM_017534.6 (MANE Select); coding-DNA position 2981, C replaced by T.
Protein change: p.Thr994Ile; replaces threonine 994 with isoleucine.
Molecular consequence: missense variant.
Genome position (GRCh38, 1-based): chr17:10,529,700, G>A on the plus strand (C>T on the coding strand, the complement: MYH2 is on the minus strand). VCF-style: chr17-10529700-G-A. GRCh37 (hg19) VCF-style: chr17-10433017-G-A.
Other names: c.2981C>T, p.Thr994Ile (NM_001100112.2); short protein forms T994I.
Identifiers: ClinVar variation 5020620 (VCV005020620.1).

ClinVar aggregate classification (germline): Uncertain significance (1 of 4 stars; one submission).

gnomAD v4.1: 9 of 1,613,900 alleles (0.00056%); highest among the groups gnomAD compares: African/African-American, 0.008%; no homozygotes.

Submission:

Dasa
Classification: Uncertain significance. Last evaluated: 2026-05-04. Review status: criteria provided, single submitter. Criteria: DASA Assertion Criteria. Collection method: clinical testing. Allele origin: germline.
Comment: NM_017534.6(MYH2):c.2981C>T (p.Thr994Ile) is a missense variant that results in the substitution of threonine with isoleucine. This variant is rare in population databases. Computational prediction algorithms are consistent with a benign effect. The currently available literature and clinical evidence are not sufficient to establish a definitive association between this variant and the reported condition. Therefore, this variant is classified as a variant of uncertain significance.